The following is an entry in ClinVar:

NM_000089.4(COL1A2):c.1140G>C (p.Lys380Asn)

Gene: COL1A2 (collagen type I alpha 2 chain; plus strand). Cytogenetic location: 7q21.3.
Variant type: single nucleotide variant.
Coding change: c.1140G>C on transcript NM_000089.4 (MANE Select); coding-DNA position 1140, G replaced by C.
Protein change: p.Lys380Asn; replaces lysine 380 with asparagine.
Molecular consequence: missense variant.
Genome position (GRCh38, 1-based): chr7:94,410,470, G>C. VCF-style: chr7-94410470-G-C. GRCh37 (hg19) VCF-style: chr7-94039782-G-C.
Other names: short protein forms K380N.
Identifiers: ClinVar variation 4072643 (VCV004072643.1).

ClinVar aggregate classification (germline): Uncertain significance (1 of 4 stars; one submission).

Submission:

GeneDx
Classification: Uncertain significance. Last evaluated: 2025-01-29. Review status: criteria provided, single submitter. Criteria: GeneDx Variant Classification Process June 2021. Collection method: clinical testing. Allele origin: germline. Affected: yes.
Comment: Not observed at significant frequency in large population cohorts (gnomAD); In silico analysis supports that this missense variant has a deleterious effect on protein structure/function; Has not been previously published as pathogenic or benign to our knowledge